The following is an entry in ClinVar:

NM_001354712.2(THRB):c.1373T>G (p.Val458Gly)

Gene: THRB (thyroid hormone receptor beta; minus strand). Cytogenetic location: 3p24.2.
Variant type: single nucleotide variant.
Coding change: c.1373T>G on transcript NM_001354712.2 (MANE Select); coding-DNA position 1373, T replaced by G.
Protein change: p.Val458Gly; replaces valine 458 with glycine.
Molecular consequence: missense variant.
Genome position (GRCh38, 1-based): chr3:24,122,897, A>C on the plus strand (T>G on the coding strand, the complement: THRB is on the minus strand). VCF-style: chr3-24122897-A-C. GRCh37 (hg19) VCF-style: chr3-24164388-A-C.
Other names: NC_000003.11:g.24164388A>C; c.1373T>G, p.Val458Gly (NM_000461.5, NM_001128176.3, NM_001128177.2 and 11 more transcripts); c.1280T>G, p.Val427Gly (NM_001354714.2, NM_001354715.2); c.1202T>G, p.Val401Gly (NM_001374827.1); c.1373T>G (NM_000461.4); short protein forms V401G, V427G, V458G.
Identifiers: ClinVar variation 3344453 (VCV003344453.3).

ClinVar aggregate classification (germline): Uncertain significance. Review status: criteria provided, single submitter (1 of 4 stars). 2 submissions from 2 submitters: Uncertain significance (1). 1 of the submissions does not count toward it. Last evaluated 2025-03-12.

Conditions:
THRB-related disorder. Also called: THRB-related condition.

Submissions (3):

Quest Diagnostics Nichols Institute San Juan Capistrano
Classification: Uncertain significance. Last evaluated: 2025-03-12. Review status: criteria provided, single submitter. Criteria: Quest Diagnostics criteria. Collection method: clinical testing. Allele origin: unknown.
Comment: The THRB c.1373T>G (p.Val458Gly) variant has been reported in the published literature in a family affected with resistance to thyroid hormone in the published literature (PMID: 15598685 (2005))). In vitro studies indicated that this variant impairs ligand binding and interferes with T3-induced transcriptional activity (PMID: 15598685 (2005)), however, further studies are required to investigate the global effect of this variant on THRB protein function. This variant has not been reported in large, multi-ethnic general populations (Genome Aggregation Database). Analysis of this variant using bioinformatics tools for the prediction of the effect of amino acid changes on protein structure and function yielded predictions that this variant is damaging. Based on the available information, we are unable to determine the clinical significance of this variant. Testing affected family members could help clarify the clinical significance of this variant.

PreventionGenetics, part of Exact Sciences
Classification: Uncertain significance for THRB-related condition. Last evaluated: 2024-05-08. Review status: no assertion criteria provided. Collection method: clinical testing. Allele origin: germline. Not counted in ClinVar's aggregate classification.
Comment: The THRB c.1373T>G variant is predicted to result in the amino acid substitution p.Val458Gly. This variant was reported in the heterozygous state in a parent and child with thyroid hormone resistance, and functional studies supported the variants pathogenicity (Lado-Abeal et al 2005. PubMed ID: 15598685). This variant has not been reported in a large population database, indicating it is rare. Although we suspect that this variant may be pathogenic, at this time, the clinical significance of this variant is uncertain due to the absence of conclusive functional and genetic evidence.

Dr. Peter K. Rogan Lab, Western University
No classification provided (evidence only). Condition: Ovarian serous cystadenocarcinoma. Review status: no classification provided. Collection method: in vitro. Allele origin: not applicable. Functional consequence: retained intron. Not counted in ClinVar's aggregate classification.

Literature cited by the submitters: PubMed 15598685 (cited by Quest Diagnostics Nichols Institute San Juan Capistrano).